The following is an entry in ClinVar:

NM_015065.3(EXPH5):c.726C>G (p.Phe242Leu)

Gene: EXPH5 (exophilin 5; minus strand). Cytogenetic location: 11q22.3.
Variant type: single nucleotide variant.
Coding change: c.726C>G on transcript NM_015065.3 (MANE Select); coding-DNA position 726, C replaced by G.
Protein change: p.Phe242Leu; replaces phenylalanine 242 with leucine.
Molecular consequence: missense variant.
Genome position (GRCh38, 1-based): chr11:108,514,781, G>C on the plus strand (C>G on the coding strand, the complement: EXPH5 is on the minus strand). VCF-style: chr11-108514781-G-C. GRCh37 (hg19) VCF-style: chr11-108385508-G-C.
Other names: c.498C>G, p.Phe166Leu (NM_001144763.2); c.258C>G, p.Phe86Leu (NM_001144764.2); c.162C>G, p.Phe54Leu (NM_001144765.2); c.705C>G, p.Phe235Leu (NM_001308019.2); c.726C>G (NM_015065.2); short protein forms F235L, F242L, F166L, F86L, F54L.
Identifiers: ClinVar variation 2039125 (VCV002039125.6), dbSNP rs116742815, ClinGen allele CA6268171.

ClinVar aggregate classification (germline): Benign. Review status: criteria provided, single submitter (1 of 4 stars). 2 submissions from 2 submitters: Benign (1). 1 of the submissions does not count toward it. Last evaluated 2025-09-28.

Conditions:
EXPH5-related disorder. Also called: EXPH5-related condition.

Allele frequency attached by ClinVar (database versions not stated): ExAC 0.00053; ESP Exome Variant Server 0.00192; 1000 Genomes Project 30x 0.00234; 1000 Genomes Project 0.00300.
gnomAD v4.1: 430 of 1,608,784 alleles (0.027%); highest among the groups gnomAD compares: African/African-American, 0.51%; 1 homozygote.

Submissions (2):

Labcorp Genetics (formerly Invitae), Labcorp
Classification: Benign. Last evaluated: 2025-09-28. Review status: criteria provided, single submitter. Criteria: Invitae Variant Classification Sherloc (09022015). Collection method: clinical testing. Allele origin: germline.

PreventionGenetics, part of Exact Sciences
Classification: Likely benign for EXPH5-related condition. Last evaluated: 2020-03-23. Review status: no assertion criteria provided. Collection method: clinical testing. Allele origin: germline. Not counted in ClinVar's aggregate classification.
Comment: This variant is classified as likely benign based on ACMG/AMP sequence variant interpretation guidelines (Richards et al. 2015 PMID: 25741868, with internal and published modifications).